The following is an entry in ClinVar:

NM_004230.4(S1PR2):c.352G>C (p.Ala118Pro)

Gene: S1PR2 (sphingosine-1-phosphate receptor 2; minus strand). Cytogenetic location: 19p13.2.
Variant type: single nucleotide variant.
Coding change: c.352G>C on transcript NM_004230.4 (MANE Select); coding-DNA position 352, G replaced by C.
Protein change: p.Ala118Pro; replaces alanine 118 with proline.
Molecular consequence: missense variant.
Genome position (GRCh38, 1-based): chr19:10,224,554, C>G on the plus strand (G>C on the coding strand, the complement: S1PR2 is on the minus strand). VCF-style: chr19-10224554-C-G. GRCh37 (hg19) VCF-style: chr19-10335230-C-G.
Other names: short protein forms A118P.
Identifiers: ClinVar variation 3900815 (VCV003900815.1).
Genomic context (GRCh38, chr19:10,224,554, plus strand): 5'-TGACCTTGGCAATGGCCACGTGGCGCTCAATGGCGATGGCCAGGAGGCTGAAGACAGAGG[C>G]CGAGAGCGTGATGAAGGCAGAGCCCTCCCGGGCAAACCACTGCACAGGCGTCAGCCTCAG-3'
Protein context (NP_004221.3, residues 108-128): REGSAFITLS[Ala118Pro]SVFSLLAIAI

ClinVar aggregate classification (germline): Uncertain significance (1 of 4 stars; one submission).

gnomAD v4.1: 1 of 1,613,756 alleles (0.000062%); highest among the groups gnomAD compares: Non-Finnish European, 0.000085%; no homozygotes.

Submission:

GeneDx
Classification: Uncertain significance. Last evaluated: 2024-12-02. Review status: criteria provided, single submitter. Criteria: GeneDx Variant Classification Process June 2021. Collection method: clinical testing. Allele origin: germline. Affected: yes.
Comment: Not observed at significant frequency in large population cohorts (gnomAD); In silico analysis supports that this missense variant has a deleterious effect on protein structure/function; Has not been previously published as pathogenic or benign to our knowledge